The following is an entry in ClinVar:

ClinVar aggregate classification (germline): Uncertain significance. Review status: criteria provided, multiple submitters, no conflicts (2 of 4 stars). 2 submissions from 2 submitters: Uncertain significance (2). Last evaluated 2025-09-02.

Conditions:
Inborn genetic diseases. Identifiers: MedGen C0950123, MeSH D030342.

gnomAD v4.1: 6 of 1,614,238 alleles (0.00037%); highest among the groups gnomAD compares: African/African-American, 0.008%; no homozygotes.

Submissions (2):

Labcorp Genetics (formerly Invitae), Labcorp
Classification: Uncertain significance. Last evaluated: 2025-09-02. Review status: criteria provided, single submitter. Criteria: Invitae Variant Classification Sherloc (09022015). Collection method: clinical testing. Allele origin: germline.
Comment: This sequence change replaces glutamic acid, which is acidic and polar, with aspartic acid, which is acidic and polar, at codon 1934 of the LRRK1 protein (p.Glu1934Asp). This variant is not present in population databases (gnomAD no frequency). This variant has not been reported in the literature in individuals affected with LRRK1-related conditions. ClinVar contains an entry for this variant (Variation ID: 1434921). An algorithm developed to predict the effect of missense changes on protein structure and function (PolyPhen-2) suggests that this variant is likely to be disruptive. In summary, the available evidence is currently insufficient to determine the role of this variant in disease. Therefore, it has been classified as a Variant of Uncertain Significance.

Ambry Genetics
Classification: Uncertain significance for Inborn genetic diseases. Last evaluated: 2021-12-14. Review status: criteria provided, single submitter. Criteria: Ambry Variant Classification Scheme 2023. Collection method: clinical testing. Allele origin: germline.

NM_024652.6(LRRK1):c.5802G>T (p.Glu1934Asp)

Genes: LRRK1 (leucine rich repeat kinase 1; plus strand), LRRK1-AS1 (LRRK1 antisense RNA 1; minus strand). Cytogenetic location: 15q26.3.
Variant type: single nucleotide variant.
Coding change: c.5802G>T on transcript NM_024652.6 (MANE Select); coding-DNA position 5802, G replaced by T.
Protein change: p.Glu1934Asp; replaces glutamic acid 1934 with aspartic acid.
Molecular consequence: missense variant.
Genome position (GRCh38, 1-based): chr15:101,066,673, G>T. VCF-style: chr15-101066673-G-T. GRCh37 (hg19) VCF-style: chr15-101606878-G-T.
Other names: c.5802G>T (NM_024652.3); short protein forms E1934D.
Identifiers: ClinVar variation 1434921 (VCV001434921.9), dbSNP rs1301904566, ClinGen allele CA393963695.
Genomic context (GRCh38, chr15:101,066,673, plus strand): 5'-TTCCCCTTCTGGGTTTTGGTTGCTTAGGCGCGGTGGAGATGTTATCGTCATTGGCCTGGA[G>T]AAGGATTCTGGCGCCCAGCGGGGCCGAGTCATTGCCGTCTTAAAAGCCCGAGAGCTGACT-3'
Protein context (NP_078928.3, residues 1924-1944): RGGDVIVIGL[Glu1934Asp]KDSGAQRGRV